The following is an entry in ClinVar:

NM_176787.5(PIGN):c.359C>T (p.Pro120Leu)

Gene: PIGN (phosphatidylinositol glycan anchor biosynthesis class N; minus strand). Cytogenetic location: 18q21.33.
Variant type: single nucleotide variant.
Coding change: c.359C>T on transcript NM_176787.5 (MANE Select); coding-DNA position 359, C replaced by T.
Protein change: p.Pro120Leu; replaces proline 120 with leucine.
Molecular consequence: missense variant.
Genome position (GRCh38, 1-based): chr18:62,157,212, G>A on the plus strand (C>T on the coding strand, the complement: PIGN is on the minus strand). VCF-style: chr18-62157212-G-A. GRCh37 (hg19) VCF-style: chr18-59824445-G-A.
Other names: c.359C>T, p.Pro120Leu (NM_001438896.1, NM_001438904.1, NM_001438905.1 and 2 more transcripts); short protein forms P120L.
Identifiers: ClinVar variation 5005901 (VCV005005901.2).

ClinVar aggregate classification (germline): Uncertain significance (1 of 4 stars; one submission).

Conditions:
Multiple congenital anomalies-hypotonia-seizures syndrome 1 (MCAHS1). Also called: PIGN-CDG; Congenital disorder of glycosylation due to PIGN deficiency; GLYCOSYLPHOSPHATIDYLINOSITOL BIOSYNTHESIS DEFECT 3. Identifiers: Orphanet 280633, MedGen C3279775, MONDO:0013563, OMIM 614080.

gnomAD v4.1: 2 of 1,601,594 alleles (0.00012%); highest among the groups gnomAD compares: East Asian, 0.0045%; no homozygotes.

Submission:

Juno Genomics, Hangzhou Juno Genomics, Inc
Classification: Uncertain significance for Multiple congenital anomalies-hypotonia-seizures syndrome 1. Review status: criteria provided, single submitter. Criteria: ACMG Guidelines, 2015. Collection method: clinical testing. Allele origin: germline.
Comment: Absent from controls (or at extremely low frequency if recessive) in Genome Aggregation Database.;Multiple lines of computational evidence support a deleterious effect on the gene or gene product.